The following is an entry in ClinVar:

NM_020975.6(RET):c.2573T>G (p.Ile858Ser)

Gene: RET (ret proto-oncogene; plus strand). Cytogenetic location: 10q11.21.
Variant type: single nucleotide variant.
Coding change: c.2573T>G on transcript NM_020975.6 (MANE Select); coding-DNA position 2573, T replaced by G.
Protein change: p.Ile858Ser; replaces isoleucine 858 with serine.
Molecular consequence: missense variant.
Genome position (GRCh38, 1-based): chr10:43,119,711, T>G. VCF-style: chr10-43119711-T-G. GRCh37 (hg19) VCF-style: chr10-43615159-T-G.
Other names: c.1811T>G, p.Ile604Ser (NM_001355216.2); c.2573T>G, p.Ile858Ser (NM_001406743.1, NM_001406744.1, NM_001406759.1 and 2 more transcripts); c.2444T>G, p.Ile815Ser (NM_001406761.1, NM_001406762.1, NM_001406764.1); c.2177T>G, p.Ile726Ser (NM_001406772.1, NM_001406769.1); c.2135T>G, p.Ile712Ser (NM_001406773.1, NM_001406771.1); c.2048T>G, p.Ile683Ser (NM_001406774.1); c.1847T>G, p.Ile616Ser (NM_001406775.1, NM_001406776.1, NM_001406777.1 and 1 more transcripts); c.1676T>G, p.Ile559Ser (NM_001406779.1, NM_001406780.1, NM_001406781.1 and 1 more transcripts); and 10 more; short protein forms I528S, I559S, I712S, I726S, I815S, I858S, I423S, I375S.
Identifiers: ClinVar variation 3944677 (VCV003944677.1).
Genomic context (GRCh38, chr10:43,119,711, plus strand): 5'-TGGACCACCCGGATGAGCGGGCCCTCACCATGGGCGACCTCATCTCATTTGCCTGGCAGA[T>G]CTCACAGGGGATGCAGTATCTGGCCGAGATGAAGGTGCGTGCATATGGCTCTGCACCCAG-3'
Protein context (NP_066124.1, residues 848-868): MGDLISFAWQ[Ile858Ser]SQGMQYLAEM

ClinVar aggregate classification (germline): Uncertain significance (1 of 4 stars; one submission).

Conditions:
Hereditary cancer-predisposing syndrome. Also called: Tumor predisposition; Hereditary neoplastic syndrome; Hereditary Cancer Syndrome; Neoplastic Syndromes, Hereditary. Identifiers: Orphanet 140162, MedGen C0027672, MeSH D009386, MONDO:0015356.

Submission:

Ambry Genetics
Classification: Uncertain significance for Hereditary cancer-predisposing syndrome. Last evaluated: 2025-03-17. Review status: criteria provided, single submitter. Criteria: Ambry Variant Classification Scheme 2023. Collection method: clinical testing. Allele origin: germline.
Comment: The p.I858S variant (also known as c.2573T>G), located in coding exon 14 of the RET gene, results from a T to G substitution at nucleotide position 2573. The isoleucine at codon 858 is replaced by serine, an amino acid with dissimilar properties. This amino acid position is conserved. In addition, this alteration is predicted to be deleterious by in silico analysis. Based on the available evidence, the clinical significance of this variant remains unclear.